The following is an entry in ClinVar:

NM_014585.6(SLC40A1):c.663T>C (p.Val221=)

Gene: SLC40A1 (solute carrier family 40 member 1; minus strand). Cytogenetic location: 2q32.2.
Variant type: single nucleotide variant.
Coding change: c.663T>C on transcript NM_014585.6 (MANE Select); coding-DNA position 663, T replaced by C.
Protein change: p.Val221=; no amino-acid change (valine 221 retained).
Molecular consequence: synonymous variant.
Genome position (GRCh38, 1-based): chr2:189,565,451, A>G on the plus strand (T>C on the coding strand, the complement: SLC40A1 is on the minus strand). VCF-style: chr2-189565451-A-G. GRCh37 (hg19) VCF-style: chr2-190430177-A-G.
Identifiers: ClinVar variation 260422 (VCV000260422.29), dbSNP rs2304704, ClinGen allele CA2024182.
Genomic context (GRCh38, chr2:189,565,451, plus strand): 5'-TTCTTTAAGACCAGCTTTCACAGCTAGAGCTGGGGTTTTCTGGTAAACCTTCCAGAGCAG[A>G]ACGTACTCCACGCACATGGATACCAAGTTCCATCCCGAAATAAAGCCACAGCCGATGACT-3'
Protein context (NP_055400.1, residues 211-231): WNLVSMCVEY[Val221=]LLWKVYQKTP

ClinVar aggregate classification (germline): Benign. Review status: criteria provided, multiple submitters, no conflicts (2 of 4 stars). 10 submissions from 10 submitters: Benign (8). 2 of the submissions do not count toward it. Last evaluated 2026-02-04.

Conditions:
Hemochromatosis type 4 (HFE4). Also called: Ferroportin disease; HEMOCHROMATOSIS DUE TO DEFECT IN FERROPORTIN; HEMOCHROMATOSIS, AUTOSOMAL DOMINANT. Identifiers: Orphanet 139491, Orphanet 647834, Orphanet 648562, MedGen C1853733, MONDO:0011631, OMIM 606069.

Allele frequency attached by ClinVar (database versions not stated): ESP Exome Variant Server 0.50154; gnomAD 0.51099 and 0.52133; TOPMed 0.52229; 1000 Genomes Project 30x 0.54154; 1000 Genomes Project 0.55012; ExAC 0.61425; gnomAD exomes 0.62617 and 0.62864.
gnomAD v4.1: 995,023 of 1,613,956 alleles (62%); highest among the groups gnomAD compares: East Asian, 80%; 314,691 homozygotes.

Submissions (10):

Labcorp Genetics (formerly Invitae), Labcorp
Classification: Benign for Hemochromatosis type 4. Last evaluated: 2026-02-04. Review status: criteria provided, single submitter. Criteria: Invitae Variant Classification Sherloc (09022015). Collection method: clinical testing. Allele origin: germline.

Center for Genomic Medicine, Rigshospitalet, Copenhagen University Hospital
Classification: Benign. Last evaluated: 2025-03-04. Review status: criteria provided, single submitter. Criteria: ACMG Guidelines, 2015. Collection method: clinical testing. Allele origin: germline.

Blueprint Genetics
Classification: Benign. Last evaluated: 2024-11-26. Review status: criteria provided, single submitter. Criteria: ACMG Guidelines, 2015. Collection method: clinical testing. Allele origin: germline.

Genome-Nilou Lab
Classification: Benign for Hemochromatosis type 4. Last evaluated: 2021-07-15. Review status: criteria provided, single submitter. Criteria: ACMG Guidelines, 2015. Collection method: clinical testing. Allele origin: germline. Affected: no.

GeneDx
Classification: Benign. Last evaluated: 2018-11-12. Review status: criteria provided, single submitter. Criteria: GeneDx Variant Classification Process June 2021. Collection method: clinical testing. Allele origin: germline. Affected: yes.

Illumina Laboratory Services, Illumina
Classification: Benign for Hemochromatosis type 4. Last evaluated: 2018-01-13. Review status: criteria provided, single submitter. Criteria: ICSL Variant Classification Criteria 13 December 2019. Collection method: clinical testing. Allele origin: germline.
Comment: This variant was observed in the ICSL laboratory as part of a predisposition screen in an ostensibly healthy population. It had not been previously curated by ICSL or reported in the Human Gene Mutation Database (HGMD: prior to June 1st, 2018), and was therefore a candidate for classification through an automated scoring system. Utilizing variant allele frequency, disease prevalence and penetrance estimates, and inheritance mode, an automated score was calculated to assess if this variant is too frequent to cause the disease. Based on the score and internal cut-off values, a variant classified as benign is not then subjected to further curation. The score for this variant resulted in a classification of benign for this disease.

Breakthrough Genomics
Classification: Benign. Review status: criteria provided, single submitter. Criteria: ACMG Guidelines, 2015. Collection method: not provided. Allele origin: germline. Inheritance: Autosomal dominant inheritance. Affected: yes.

PreventionGenetics, part of Exact Sciences
Classification: Benign. Review status: criteria provided, single submitter. Criteria: ACMG Guidelines, 2015. Collection method: clinical testing. Allele origin: germline.

Diagnostic Laboratory, Department of Genetics, University Medical Center Groningen
Classification: Benign. Review status: no assertion criteria provided. Collection method: clinical testing. Allele origin: germline. Affected: yes. Study: VKGL Data-share Consensus. Not counted in ClinVar's aggregate classification.

Joint Genome Diagnostic Labs from Nijmegen and Maastricht, Radboudumc and MUMC+
Classification: Benign. Review status: no assertion criteria provided. Collection method: clinical testing. Allele origin: germline. Affected: yes. Study: VKGL Data-share Consensus. Not counted in ClinVar's aggregate classification.